The following is an entry in ClinVar:

NM_032043.3(BRIP1):c.3273T>G (p.His1091Gln)

Gene: BRIP1 (BRCA1 interacting DNA helicase 1; minus strand). Cytogenetic location: 17q23.2.
Variant type: single nucleotide variant.
Coding change: c.3273T>G on transcript NM_032043.3 (MANE Select); coding-DNA position 3273, T replaced by G.
Protein change: p.His1091Gln; replaces histidine 1091 with glutamine.
Molecular consequence: missense variant.
Genome position (GRCh38, 1-based): chr17:61,683,773, A>C on the plus strand (T>G on the coding strand, the complement: BRIP1 is on the minus strand). VCF-style: chr17-61683773-A-C. GRCh37 (hg19) VCF-style: chr17-59761134-A-C.
Other names: short protein forms H1091Q.
Identifiers: ClinVar variation 1489068 (VCV001489068.9), dbSNP rs1281827397, ClinGen allele CA400479080.
Genomic context (GRCh38, chr17:61,683,773, plus strand): 5'-TTCTTCACTTACTAGAGACAATTCAATGTCTGGATCCAGGGCTTCTTCAGAACAGAGCGG[A>C]TGTTCAGAATGATTTTTTCTAGTAAGGGTGGCATCAATCTTTAATGATGAAATAATGGTT-3'
Protein context (NP_114432.2, residues 1081-1101): ATLTRKNHSE[His1091Gln]PLCSEEALDP

ClinVar aggregate classification (germline): Uncertain significance (1 of 4 stars; one submission).

Conditions:
Fanconi anemia complementation group J. Also called: BRIP1-Related Fanconi Anemia. Identifiers: Orphanet 84, MedGen C1836860, MONDO:0012187, OMIM 609054.
Familial cancer of breast. Also called: BREAST CANCER, FAMILIAL; Hereditary breast cancer; hereditary breast carcinoma. Identifiers: Orphanet 227535, MedGen C0346153, MONDO:0016419, OMIM 114480. Disease mechanism: loss of function.

Allele frequency attached by ClinVar (database versions not stated): gnomAD 0.00001.
gnomAD v4.1: 1 of 1,614,084 alleles (0.000062%); highest among the groups gnomAD compares: African/African-American, 0.0013%; no homozygotes.

Submission:

Labcorp Genetics (formerly Invitae), Labcorp
Classification: Uncertain significance for Familial cancer of breast; Fanconi anemia complementation group J. Last evaluated: 2024-12-10. Review status: criteria provided, single submitter. Criteria: Invitae Variant Classification Sherloc (09022015). Collection method: clinical testing. Allele origin: germline.
Comment: This sequence change replaces histidine, which is basic and polar, with glutamine, which is neutral and polar, at codon 1091 of the BRIP1 protein (p.His1091Gln). This variant is not present in population databases (gnomAD no frequency). This variant has not been reported in the literature in individuals affected with BRIP1-related conditions. ClinVar contains an entry for this variant (Variation ID: 1489068). Invitae Evidence Modeling of protein sequence and biophysical properties (such as structural, functional, and spatial information, amino acid conservation, physicochemical variation, residue mobility, and thermodynamic stability) indicates that this missense variant is not expected to disrupt BRIP1 protein function with a negative predictive value of 95%. In summary, the available evidence is currently insufficient to determine the role of this variant in disease. Therefore, it has been classified as a Variant of Uncertain Significance.